The following is an entry in ClinVar:

NM_024589.3(ROGDI):c.45+17A>T

Gene: ROGDI (rogdi atypical leucine zipper; minus strand). Cytogenetic location: 16p13.3.
Variant type: single nucleotide variant.
Coding change: c.45+17A>T on transcript NM_024589.3 (MANE Select); 17 bases into the intron after coding-DNA position 45, A replaced by T.
Molecular consequence: intron variant.
Genome position (GRCh38, 1-based): chr16:4,802,510, T>A on the plus strand (A>T on the coding strand, the complement: ROGDI is on the minus strand). VCF-style: chr16-4802510-T-A. GRCh37 (hg19) VCF-style: chr16-4852511-T-A.
Identifiers: ClinVar variation 4535852 (VCV004535852.1).

ClinVar aggregate classification (germline): Likely benign (1 of 4 stars; one submission).

Submission:

Women's Health and Genetics/Laboratory Corporation of America, LabCorp
Classification: Likely benign. Last evaluated: 2025-09-03. Review status: criteria provided, single submitter. Criteria: LabCorp Variant Classification Summary - May 2015. Collection method: clinical testing. Allele origin: germline.
Comment: Variant summary: ROGDI c.45+17A>T alters a non-conserved nucleotide located at a position not widely known to affect splicing. Consensus agreement among computation tools predict no significant impact on normal splicing. However, these predictions have yet to be confirmed by functional studies. The variant was absent in 2226 control chromosomes. The available data on variant occurrences in the general population are insufficient to allow any conclusion about variant significance. To our knowledge, no occurrence of c.45+17A>T in individuals affected with ROGDI-related conditions and no experimental evidence demonstrating its impact on protein function have been reported. No submitters have cited clinical-significance assessments for this variant to ClinVar. Based on the evidence outlined above, the variant was classified as likely benign.